The following is an entry in ClinVar:

ClinVar aggregate classification (germline): Uncertain significance. Review status: criteria provided, multiple submitters, no conflicts (2 of 4 stars). 2 submissions from 2 submitters: Uncertain significance (2). Last evaluated 2023-12-27.

Conditions:
Cardiofaciocutaneous syndrome 3 (CFC3). Also called: MAP2K1-Related Cardiofaciocutaneous Syndrome. Identifiers: Orphanet 1340, MedGen C3809006, MONDO:0014113, OMIM 615279.
Melorheostosis (MEL). Also called: MELORHEOSTOSIS, ISOLATED. Identifiers: Orphanet 2485, MedGen C3149631, MONDO:0007970, OMIM 155950, HP:6000817.
RASopathy. Also called: rasopathies; Noonan spectrum disorder. Identifiers: Orphanet 536391, MedGen C5555857, MONDO:0021060.

gnomAD v4.1: 2 of 1,613,192 alleles (0.00012%); highest among the groups gnomAD compares: Non-Finnish European, 0.00017%; no homozygotes.

Submissions (2):

Fulgent Genetics
Classification: Uncertain significance for Melorheostosis; Cardiofaciocutaneous syndrome 3. Last evaluated: 2023-12-27. Review status: criteria provided, single submitter. Criteria: ACMG Guidelines, 2015. Collection method: clinical testing. Allele origin: germline.

Labcorp Genetics (formerly Invitae), Labcorp
Classification: Uncertain significance for RASopathy. Last evaluated: 2023-08-31. Review status: criteria provided, single submitter. Criteria: Invitae Variant Classification Sherloc (09022015). Collection method: clinical testing. Allele origin: germline.
Comment: In summary, the available evidence is currently insufficient to determine the role of this variant in disease. Therefore, it has been classified as a Variant of Uncertain Significance. Variants that disrupt the consensus splice site are a relatively common cause of aberrant splicing (PMID: 17576681, 9536098). Algorithms developed to predict the effect of sequence changes on RNA splicing suggest that this variant is not likely to affect RNA splicing. ClinVar contains an entry for this variant (Variation ID: 1987933). This variant has not been reported in the literature in individuals affected with MAP2K1-related conditions. This variant is not present in population databases (gnomAD no frequency). This sequence change falls in intron 9 of the MAP2K1 gene. It does not directly change the encoded amino acid sequence of the MAP2K1 protein. It affects a nucleotide within the consensus splice site.

Literature cited by the submitters: PubMed 17576681 (cited by Labcorp Genetics (formerly Invitae), Labcorp); PubMed 9536098 (cited by Labcorp Genetics (formerly Invitae), Labcorp).

NM_002755.4(MAP2K1):c.1022+6T>G

Gene: MAP2K1 (mitogen-activated protein kinase kinase 1; plus strand). Cytogenetic location: 15q22.31.
Variant type: single nucleotide variant.
Coding change: c.1022+6T>G on transcript NM_002755.4 (MANE Select); 6 bases into the intron after coding-DNA position 1022, T replaced by G.
Molecular consequence: intron variant.
Genome position (GRCh38, 1-based): chr15:66,489,282, T>G. VCF-style: chr15-66489282-T-G. GRCh37 (hg19) VCF-style: chr15-66781620-T-G.
Identifiers: ClinVar variation 1987933 (VCV001987933.5), dbSNP rs781015814, ClinGen allele CA271677654.